The following is an entry in ClinVar:

NM_002471.4(MYH6):c.4318G>C (p.Ala1440Pro)

Gene: MYH6 (myosin heavy chain 6; minus strand). Cytogenetic location: 14q11.2.
Variant type: single nucleotide variant.
Coding change: c.4318G>C on transcript NM_002471.4 (MANE Select); coding-DNA position 4318, G replaced by C.
Protein change: p.Ala1440Pro; replaces alanine 1440 with proline.
Molecular consequence: missense variant.
Genome position (GRCh38, 1-based): chr14:23,388,196, C>G on the plus strand (G>C on the coding strand, the complement: MYH6 is on the minus strand). VCF-style: chr14-23388196-C-G. GRCh37 (hg19) VCF-style: chr14-23857405-C-G.
Other names: short protein forms A1440P.
Identifiers: ClinVar variation 970413 (VCV000970413.13), dbSNP rs137983703, ClinGen allele CA7114822.

ClinVar aggregate classification (germline): Uncertain significance. Review status: criteria provided, multiple submitters, no conflicts (2 of 4 stars). 3 submissions from 3 submitters: Uncertain significance (3). Last evaluated 2024-10-09.

Conditions:
Hypertrophic cardiomyopathy 1 (CMH1). Also called: Familial hypertrophic cardiomyopathy 1; MYH7-Related Familial Hypertrophic Cardiomyopathy. Identifiers: MedGen C3495498, MONDO:0008647, OMIM 192600.
Sick sinus syndrome 3, susceptibility to (SSS3). Identifiers: Orphanet 166282, MedGen C3279791, MONDO:0013568, OMIM 614090.
Dilated cardiomyopathy 1EE (CMD1EE). Identifiers: Orphanet 154, MedGen C2750466, MONDO:0013198, OMIM 613252.
Hypertrophic cardiomyopathy 14. Identifiers: MedGen C2750467, MONDO:0013197, OMIM 613251.
Atrial septal defect 3 (ASD3). Identifiers: Orphanet 1478, MedGen C3279790, MONDO:0013567, OMIM 614089.
Cardiovascular phenotype. Identifiers: MedGen CN230736.

Allele frequency attached by ClinVar (database versions not stated): TOPMed 0.00006; ESP Exome Variant Server 0.00008.
gnomAD v4.1: 16 of 1,612,374 alleles (0.00099%); highest among the groups gnomAD compares: Non-Finnish European, 0.0014%; no homozygotes.

Submissions (3):

Ambry Genetics
Classification: Uncertain significance for Cardiovascular phenotype. Last evaluated: 2024-10-09. Review status: criteria provided, single submitter. Criteria: Ambry Variant Classification Scheme 2023. Collection method: clinical testing. Allele origin: germline.
Comment: The p.A1440P variant (also known as c.4318G>C), located in coding exon 28 of the MYH6 gene, results from a G to C substitution at nucleotide position 4318. The alanine at codon 1440 is replaced by proline, an amino acid with highly similar properties. This variant has been reported in an individual with dilated cardiomyopathy (Hershberger RE et al. Circ Cardiovasc Genet, 2010 Apr;3:155-61). This variant has also been seen in an exome cohort, but cardiovascular history was not provided (Andreasen C et al. Eur. J. Hum. Genet., 2013 Sep;21:918-28). This amino acid position is well conserved in available vertebrate species. In addition, this alteration is predicted to be deleterious by in silico analysis. Since supporting evidence is limited at this time, the clinical significance of this alteration remains unclear.

Fulgent Genetics
Classification: Uncertain significance for Hypertrophic cardiomyopathy 1; Hypertrophic cardiomyopathy 14; Dilated cardiomyopathy 1EE; Atrial septal defect 3; Sick sinus syndrome 3, susceptibility to. Last evaluated: 2021-09-04. Review status: criteria provided, single submitter. Criteria: ACMG Guidelines, 2015. Collection method: clinical testing. Allele origin: unknown.

Labcorp Genetics (formerly Invitae), Labcorp
Classification: Uncertain significance for Hypertrophic cardiomyopathy 14. Last evaluated: 2019-11-04. Review status: criteria provided, single submitter. Criteria: Invitae Variant Classification Sherloc (09022015). Collection method: clinical testing. Allele origin: germline.
Comment: This sequence change replaces alanine with proline at codon 1440 of the MYH6 protein (p.Ala1440Pro). The alanine residue is weakly conserved and there is a small physicochemical difference between alanine and proline. This variant is present in population databases (rs137983703, ExAC 0.001%). This variant has been reported in an individual affected with familial dilated cardiomyopathy (PMID: 20215591). Algorithms developed to predict the effect of missense changes on protein structure and function do not agree on the potential impact of this missense change (SIFT: "Tolerated"; PolyPhen-2: "Probably Damaging"; Align-GVGD: "Class C0"). In summary, the available evidence is currently insufficient to determine the role of this variant in disease. Therefore, it has been classified as a Variant of Uncertain Significance.

Literature cited by the submitters: PubMed 20215591 (cited by Ambry Genetics and Labcorp Genetics (formerly Invitae), Labcorp); PubMed 23299917 (cited by Ambry Genetics).